The following is an entry in ClinVar:

ClinVar aggregate classification (germline): Uncertain significance (1 of 4 stars; one submission).

Conditions:
Spastic paraplegia. Identifiers: MedGen C0037772, HP:0001258.

Submission:

Labcorp Genetics (formerly Invitae), Labcorp
Classification: Uncertain significance for Spastic paraplegia. Last evaluated: 2025-06-15. Review status: criteria provided, single submitter. Criteria: Invitae Variant Classification Sherloc (09022015). Collection method: clinical testing. Allele origin: germline.
Comment: This sequence change replaces isoleucine, which is neutral and non-polar, with valine, which is neutral and non-polar, at codon 918 of the KIF5A protein (p.Ile918Val). This variant is present in population databases (no rsID available, gnomAD 0.0009%). This variant has not been reported in the literature in individuals affected with KIF5A-related conditions. Invitae Evidence Modeling of protein sequence and biophysical properties (such as structural, functional, and spatial information, amino acid conservation, physicochemical variation, residue mobility, and thermodynamic stability) has been performed for this missense variant. However, the output from this modeling did not meet the statistical confidence thresholds required to predict the impact of this variant on KIF5A protein function. Algorithms developed to predict the effect of sequence changes on RNA splicing suggest that this variant may disrupt the consensus splice site. In summary, the available evidence is currently insufficient to determine the role of this variant in disease. Therefore, it has been classified as a Variant of Uncertain Significance.

NM_004984.4(KIF5A):c.2752A>G (p.Ile918Val)

Gene: KIF5A (kinesin family member 5A; plus strand). Cytogenetic location: 12q13.3.
Variant type: single nucleotide variant.
Coding change: c.2752A>G on transcript NM_004984.4 (MANE Select); coding-DNA position 2752, A replaced by G.
Protein change: p.Ile918Val; replaces isoleucine 918 with valine.
Molecular consequence: missense variant.
Genome position (GRCh38, 1-based): chr12:57,581,169, A>G. VCF-style: chr12-57581169-A-G. GRCh37 (hg19) VCF-style: chr12-57974952-A-G.
Other names: c.2485A>G, p.Ile829Val (NM_001354705.2); short protein forms I829V, I918V.
Identifiers: ClinVar variation 4803047 (VCV004803047.1).